The following is an entry in ClinVar:

NM_001109878.2(TBX22):c.787C>A (p.Gln263Lys)

Gene: TBX22 (T-box transcription factor 22). Cytogenetic location: Xq21.1.
Variant type: single nucleotide variant.
Coding change: c.787C>A on transcript NM_001109878.2 (MANE Select); coding-DNA position 787, C replaced by A.
Protein change: p.Gln263Lys; replaces glutamine 263 with lysine.
Molecular consequence: missense variant.
Genome position (GRCh38, 1-based): chrX:80,026,857, C>A. VCF-style: chrX-80026857-C-A. GRCh37 (hg19) VCF-style: chrX-79282356-C-A.
Other names: c.427C>A, p.Gln143Lys (NM_001109879.2, NM_001303475.1); c.787C>A, p.Gln263Lys (NM_016954.2); short protein forms Q143K, Q263K.
Identifiers: ClinVar variation 2571920 (VCV002571920.1), dbSNP rs1924000788, ClinGen allele CA413740946.

ClinVar aggregate classification (germline): Uncertain significance (1 of 4 stars; one submission).

Submission:

GeneDx
Classification: Uncertain significance. Last evaluated: 2023-01-09. Review status: criteria provided, single submitter. Criteria: GeneDx Variant Classification Process June 2021. Collection method: clinical testing. Allele origin: germline. Affected: yes.
Comment: Not observed at significant frequency in large population cohorts (gnomAD); In silico analysis supports that this missense variant has a deleterious effect on protein structure/function; Has not been previously published as pathogenic or benign to our knowledge